The following is an entry in ClinVar:

ClinVar aggregate classification (germline): Benign (1 of 4 stars; one submission).

Conditions:
Hereditary diffuse gastric adenocarcinoma (HDGC). Also called: DIFFUSE GASTRIC AND LOBULAR BREAST CANCER SYNDROME. Identifiers: Orphanet 26106, MedGen C1708349, MONDO:0007648, OMIM 137215.

Submission:

Myriad Genetics, Inc.
Classification: Benign for Hereditary diffuse gastric adenocarcinoma. Last evaluated: 2024-10-16. Review status: criteria provided, single submitter. Criteria: Myriad Autosomal Dominant, Autosomal Recessive and X-Linked Classification Criteria (2023). Collection method: clinical testing. Allele origin: unknown.
Comment: This variant is considered benign. This variant occurs in the non-coding 3' untranslated region of the gene, and is not expected to impact protein function.

NM_001903.5(CTNNA1):c.*4T>C

Gene: CTNNA1 (catenin alpha 1; plus strand). Cytogenetic location: 5q31.2.
Variant type: single nucleotide variant.
Coding change: c.*4T>C on transcript NM_001903.5 (MANE Select); 4 bases downstream of the stop codon, T replaced by C.
Molecular consequence: 3 prime UTR variant.
Genome position (GRCh38, 1-based): chr5:138,934,093, T>C. VCF-style: chr5-138934093-T-C. GRCh37 (hg19) VCF-style: chr5-138269782-T-C.
Other names: c.*270T>C (NM_001290307.3, NM_001324002.1, NM_001324003.1 and 2 more transcripts); c.*4T>C (NM_001290309.3, NM_001290310.3, NM_001290312.1 and 28 more transcripts).
Identifiers: ClinVar variation 3773223 (VCV003773223.1).